The following is an entry in ClinVar:

NM_024312.5(GNPTAB):c.386del (p.Leu129fs)

Gene: GNPTAB (N-acetylglucosamine-1-phosphate transferase subunits alpha and beta; minus strand). Cytogenetic location: 12q23.2.
Variant type: Deletion.
Coding change: c.386del on transcript NM_024312.5 (MANE Select); coding-DNA position 386, one base deleted (T; older notation c.386delT).
Protein change: p.Leu129fs; shifts the reading frame from leucine 129.
Molecular consequence: frameshift variant.
Genome position (GRCh38, 1-based): chr12:101,786,197, A deleted on the plus strand (T on the coding strand, the reverse complement: GNPTAB is on the minus strand); the first of 3 consecutive A bases (chr12:101,786,197-101,786,199); deleting any one gives the same sequence. VCF-style (leftmost placement, unchanged base first): chr12-101786196-CA-C. GRCh37 (hg19) VCF-style: chr12-102179974-CA-C.
Other names: short protein forms L129fs.
Identifiers: ClinVar variation 4857676 (VCV004857676.1).
Genomic context (GRCh38, chr12:101,786,196, plus strand): 5'-GATGTTGGCTGGCAGGGCTGGGTCCAGGACAAGCATTGGCACCTTAATGCAGTGTGTTAG[CA>C]AACACTCTAACTGCTTCTCACTGGAAAGAAACACCAACATGCTTACAATTACATTCTTGA-3'

ClinVar aggregate classification (germline): Likely pathogenic (1 of 4 stars; one submission).

Conditions:
Mucolipidosis type II. Also called: ML II ALPHA/BETA; Mucolipidosis II Alpha/Beta; Mucolipidosis 2; ML 2; Inclusion cell disease; Leroy Disease. Identifiers: Orphanet 576, MedGen C2673377, MONDO:0009650, OMIM 252500.

Submission:

Kasturba Medical College, Manipal, Kasturba Medical College, Manipal, Manipal Academy of Higher Education, Manipal, India
Classification: Likely pathogenic for Mucolipidosis type II. Last evaluated: 2026-07-07. Review status: criteria provided, single submitter. Criteria: ACMG Guidelines, 2015. Collection method: research. Allele origin: maternal. Inheritance: Autosomal recessive inheritance. Affected: yes. Observed: 1 variant allele, 1 heterozygote.
Comment: This variant is absent in the population database gnomAD (v.4.1.0) and our in-house database of 4303 exomes.